The following is an entry in ClinVar:

NM_001005361.3(DNM2):c.162-8C>G

Gene: DNM2 (dynamin 2; plus strand). Cytogenetic location: 19p13.2.
Variant type: single nucleotide variant.
Coding change: c.162-8C>G on transcript NM_001005361.3 (MANE Select); 8 bases into the intron before coding-DNA position 162, C replaced by G.
Molecular consequence: intron variant.
Genome position (GRCh38, 1-based): chr19:10,759,730, C>G. VCF-style: chr19-10759730-C-G. GRCh37 (hg19) VCF-style: chr19-10870406-C-G.
Other names: c.162-8C>G (NM_001005360.3, NM_001190716.2, NM_004945.4 and 2 more transcripts).
Identifiers: ClinVar variation 1128438 (VCV001128438.10), dbSNP rs747484495, ClinGen allele CA9200717.

ClinVar aggregate classification (germline): Likely benign. Review status: criteria provided, multiple submitters, no conflicts (2 of 4 stars). 2 submissions from 2 submitters: Likely benign (2). Last evaluated 2026-01-13.

Conditions:
Charcot-Marie-Tooth disease dominant intermediate B (CMTDIB). Also called: CHARCOT-MARIE-TOOTH NEUROPATHY, DOMINANT INTERMEDIATE B; Charcot-Marie-Tooth disease dominant intermediate 1; CMT DI1; Charcot-Marie-Tooth disease dominant intermediate I. Identifiers: Orphanet 100044, Orphanet 228179, MedGen C1847902, MONDO:0011674, OMIM 606482.
DNM2-related disorder. Also called: DNM2-related condition.

gnomAD v4.1: 29 of 1,614,060 alleles (0.0018%); highest among the groups gnomAD compares: East Asian, 0.022%; no homozygotes.

Submissions (2):

Labcorp Genetics (formerly Invitae), Labcorp
Classification: Likely benign for Charcot-Marie-Tooth disease dominant intermediate B. Last evaluated: 2026-01-13. Review status: criteria provided, single submitter. Criteria: Invitae Variant Classification Sherloc (09022015). Collection method: clinical testing. Allele origin: germline.

PreventionGenetics, part of Exact Sciences
Classification: Likely benign for DNM2-related condition. Last evaluated: 2025-11-28. Review status: criteria provided, single submitter. Criteria: ACMG Guidelines, 2015. Collection method: clinical testing. Allele origin: germline.
Comment: This variant is classified as likely benign based on ACMG/AMP sequence variant interpretation guidelines (Richards et al. 2015 PMID: 25741868, with internal and published modifications).